The following is an entry in ClinVar:

ClinVar aggregate classification (germline): Pathogenic (1 of 4 stars; one submission).

Conditions:
Achondrogenesis, type IA (ACG1A). Identifiers: Orphanet 932, Orphanet 93299, MedGen C0265273, MONDO:0008701, OMIM 200600.

Submission:

Labcorp Genetics (formerly Invitae), Labcorp
Classification: Pathogenic for Achondrogenesis, type IA. Last evaluated: 2025-05-16. Review status: criteria provided, single submitter. Criteria: Invitae Variant Classification Sherloc (09022015). Collection method: clinical testing. Allele origin: germline.
Comment: This sequence change creates a premature translational stop signal (p.Arg329Glufs*4) in the TRIP11 gene. It is expected to result in an absent or disrupted protein product. Loss-of-function variants in TRIP11 are known to be pathogenic (PMID: 20089971, 23956106). This variant is present in population databases (no rsID available, gnomAD 0.0009%). This variant has not been reported in the literature in individuals affected with TRIP11-related conditions. For these reasons, this variant has been classified as Pathogenic.

Literature cited by the submitters: PubMed 20089971; PubMed 23956106.

NM_004239.4(TRIP11):c.985del (p.Arg329fs)

Gene: TRIP11 (thyroid hormone receptor interactor 11; minus strand). Cytogenetic location: 14q32.12.
Variant type: Deletion.
Coding change: c.985del on transcript NM_004239.4 (MANE Select); coding-DNA position 985, one base deleted (A; older notation c.985delA).
Protein change: p.Arg329fs; shifts the reading frame from arginine 329.
Molecular consequence: frameshift variant.
Genome position (GRCh38, 1-based): chr14:92,014,416, T deleted on the plus strand (A on the coding strand, the reverse complement: TRIP11 is on the minus strand). VCF-style (leftmost placement, unchanged base first): chr14-92014415-CT-C. GRCh37 (hg19) VCF-style: chr14-92480759-CT-C.
Other names: c.982del, p.Arg328fs (NM_001321851.1); short protein forms R329fs, R328fs.
Identifiers: ClinVar variation 4743321 (VCV004743321.1).
Genomic context (GRCh38, chr14:92,014,415, plus strand): 5'-TCTTCCATTATTTGTCTCTTTTCCACATTTAGCTGTTCTTGTTCTCTCCTCAAAATATCT[CT>C]GTCATTTTCTGCAGAAGATAATTTTTTATTTATATCTTTTATTTTATCCTCAAGTTGTTC-3'